The following is an entry in ClinVar:

ClinVar aggregate classification (germline): Pathogenic (1 of 4 stars; one submission).

Conditions:
Neurofibromatosis, type 1 (NF1). Also called: NEUROFIBROMATOSIS, TYPE I, SOMATIC; Peripheral type neurofibromatosis; VON RECKLINGHAUSEN DISEASE; Neurofibromatosis, type I. Identifiers: Orphanet 636, MedGen C0027831, MONDO:0018975, OMIM 162200. Disease mechanism: loss of function.

Submission:

Labcorp Genetics (formerly Invitae), Labcorp
Classification: Pathogenic for Neurofibromatosis, type 1. Last evaluated: 2022-10-19. Review status: criteria provided, single submitter. Criteria: Invitae Variant Classification Sherloc (09022015). Collection method: clinical testing. Allele origin: germline.
Comment: For these reasons, this variant has been classified as Pathogenic. This variant has not been reported in the literature in individuals affected with NF1-related conditions. This variant is not present in population databases (gnomAD no frequency). This sequence change creates a premature translational stop signal (p.Met902Asnfs*4) in the NF1 gene. It is expected to result in an absent or disrupted protein product. Loss-of-function variants in NF1 are known to be pathogenic (PMID: 10712197, 23913538).

Literature cited by the submitters: PubMed 10712197; PubMed 23913538.

NM_001042492.3(NF1):c.2704dup (p.Met902fs)

Gene: NF1 (neurofibromin 1; plus strand). Cytogenetic location: 17q11.2.
Variant type: Duplication.
Coding change: c.2704dup on transcript NM_001042492.3 (MANE Select); coding-DNA position 2704, one base duplicated (A; older notation c.2704dupA).
Protein change: p.Met902fs; shifts the reading frame from methionine 902.
Molecular consequence: frameshift variant.
Genome position (GRCh38, 1-based): chr17:31,229,319, A duplicated; the last of 2 consecutive A bases (chr17:31,229,318-31,229,319); duplicating either gives the same sequence. VCF-style (leftmost placement, unchanged base first): chr17-31229317-T-TA. GRCh37 (hg19) VCF-style: chr17-29556335-T-TA.
Other names: c.2704dup, p.Met902Asnfs (NM_000267.4); short protein forms M902fs.
Identifiers: ClinVar variation 2808890 (VCV002808890.3), dbSNP rs2508187302, ClinGen allele CA2739267358.